The following is an entry in ClinVar:

NM_000548.5(TSC2):c.4701C>T (p.Gly1567=)

Gene: TSC2 (TSC complex subunit 2; plus strand). Cytogenetic location: 16p13.3.
Variant type: single nucleotide variant.
Coding change: c.4701C>T on transcript NM_000548.5 (MANE Select); coding-DNA position 4701, C replaced by T.
Protein change: p.Gly1567=; no amino-acid change (glycine 1567 retained).
Molecular consequence: synonymous variant.
Genome position (GRCh38, 1-based): chr16:2,086,231, C>T. VCF-style: chr16-2086231-C-T. GRCh37 (hg19) VCF-style: chr16-2136232-C-T.
Other names: c.4500C>T, p.Gly1500= (NM_001077183.3); c.4632C>T, p.Gly1544= (NM_001114382.3); c.4392C>T, p.Gly1464= (NM_001318827.2); c.4356C>T, p.Gly1452= (NM_001318829.2); c.3969C>T, p.Gly1323= (NM_001318831.2); c.4533C>T, p.Gly1511= (NM_001318832.2); c.4503C>T, p.Gly1501= (NM_001363528.2); c.4569C>T, p.Gly1523= (NM_001370404.1); and 2 more.
Identifiers: ClinVar variation 1077461 (VCV001077461.12), dbSNP rs763804965, ClinGen allele CA493043518.

ClinVar aggregate classification (germline): Conflicting classifications of pathogenicity. Review status: criteria provided, conflicting classifications (1 of 4 stars). 5 submissions from 5 submitters: Uncertain significance (2); Benign (1); Likely benign (2). Last evaluated 2025-06-04.

Conditions:
Hereditary cancer-predisposing syndrome. Also called: Neoplastic Syndromes, Hereditary; Hereditary neoplastic syndrome; Tumor predisposition; Hereditary Cancer Syndrome. Identifiers: Orphanet 140162, MedGen C0027672, MeSH D009386, MONDO:0015356.
Tuberous sclerosis syndrome (TSC). Also called: Tuberous Sclerosis Complex; Tuberous sclerosis. Identifiers: Orphanet 805, MedGen C0041341, MONDO:0001734.
Tuberous sclerosis 2 (TSC2). Identifiers: Orphanet 805, MedGen C1860707, MONDO:0013199, OMIM 613254.

gnomAD v4.1: 1 of 1,612,744 alleles (0.000062%); highest among the groups gnomAD compares: Non-Finnish European, 0.000085%; no homozygotes.

Submissions (5):

Myriad Genetics, Inc.
Classification: Benign for Tuberous sclerosis 2. Last evaluated: 2025-06-04. Review status: criteria provided, single submitter. Criteria: Myriad Autosomal Dominant, Autosomal Recessive and X-Linked Classification Criteria (2023). Collection method: clinical testing. Allele origin: unknown.
Comment: This variant is considered benign. This variant is a silent/synonymous amino acid change and it is not expected to impact splicing.

Ambry Genetics
Classification: Likely benign for Hereditary cancer-predisposing syndrome. Last evaluated: 2024-08-30. Review status: criteria provided, single submitter. Criteria: Ambry Variant Classification Scheme 2023. Collection method: clinical testing. Allele origin: germline.

All of Us Research Program, National Institutes of Health
Classification: Uncertain significance for Tuberous sclerosis syndrome. Last evaluated: 2024-07-20. Review status: criteria provided, single submitter. Criteria: ACMG Guidelines, 2015. Collection method: clinical testing. Allele origin: germline. Inheritance: Autosomal dominant inheritance. Observed: 1 variant allele, 1 heterozygote.
Comment: This variant is located in the TSC2 protein. To our knowledge, functional studies have not been reported for this variant. This variant has not been reported in individuals affected with TSC2-related disorders in the literature. This variant has not been identified in the general population by the Genome Aggregation Database (gnomAD). The available evidence is insufficient to determine the role of this variant in disease conclusively. Therefore, this variant is classified as a Variant of Uncertain Significance.

This study involves interpretation of variants in research participants for the purpose of population health screening. Participant phenotype was not available at the time of variant classification. Additional details can be found in publication PMID: 35346344, PMCID: PMC8962531

Color Diagnostics, LLC DBA Color Health
Classification: Uncertain significance for Tuberous sclerosis syndrome. Last evaluated: 2024-07-10. Review status: criteria provided, single submitter. Criteria: ACMG Guidelines, 2015. Collection method: clinical testing. Allele origin: germline.
Comment: This variant is located in the TSC2 protein. To our knowledge, functional studies have not been reported for this variant. This variant has not been reported in individuals affected with TSC2-related disorders in the literature. This variant has not been identified in the general population by the Genome Aggregation Database (gnomAD). The available evidence is insufficient to determine the role of this variant in disease conclusively. Therefore, this variant is classified as a Variant of Uncertain Significance.

Labcorp Genetics (formerly Invitae), Labcorp
Classification: Likely benign for Tuberous sclerosis 2. Last evaluated: 2023-02-06. Review status: criteria provided, single submitter. Criteria: Invitae Variant Classification Sherloc (09022015). Collection method: clinical testing. Allele origin: germline.